The following is an entry in ClinVar:

NM_181458.4(PAX3):c.490A>T (p.Lys164Ter)

Gene: PAX3 (paired box 3; minus strand). Cytogenetic location: 2q36.1.
Variant type: single nucleotide variant.
Coding change: c.490A>T on transcript NM_181458.4 (MANE Select); coding-DNA position 490, A replaced by T.
Protein change: p.Lys164Ter; replaces lysine 164 with a stop codon.
Molecular consequence: nonsense.
Genome position (GRCh38, 1-based): chr2:222,294,263, T>A on the plus strand (A>T on the coding strand, the complement: PAX3 is on the minus strand). VCF-style: chr2-222294263-T-A. GRCh37 (hg19) VCF-style: chr2-223158982-T-A.
Other names: c.490A>T, p.Lys164Ter (NM_181461.4, NM_000438.6, NM_013942.5 and 3 more transcripts); c.487A>T, p.Lys163Ter (NM_001127366.3); short protein forms K163*, K164*.
Identifiers: ClinVar variation 2712440 (VCV002712440.3), dbSNP rs2469471849, ClinGen allele CA351112897.

ClinVar aggregate classification (germline): Pathogenic (1 of 4 stars; one submission).

Submission:

Labcorp Genetics (formerly Invitae), Labcorp
Classification: Pathogenic. Last evaluated: 2024-06-28. Review status: criteria provided, single submitter. Criteria: Invitae Variant Classification Sherloc (09022015). Collection method: clinical testing. Allele origin: germline.
Comment: This sequence change creates a premature translational stop signal (p.Lys164*) in the PAX3 gene. It is expected to result in an absent or disrupted protein product. Loss-of-function variants in PAX3 are known to be pathogenic (PMID: 20127975, 23512835). This variant is not present in population databases (gnomAD no frequency). This variant has not been reported in the literature in individuals affected with PAX3-related conditions. For these reasons, this variant has been classified as Pathogenic.

Literature cited by the submitters: PubMed 20127975; PubMed 23512835.